The following is an entry in ClinVar:

NM_001873.4(CPE):c.938C>T (p.Thr313Ile)

Gene: CPE (carboxypeptidase E; plus strand). Cytogenetic location: 4q32.3.
Variant type: single nucleotide variant.
Coding change: c.938C>T on transcript NM_001873.4 (MANE Select); coding-DNA position 938, C replaced by T.
Protein change: p.Thr313Ile; replaces threonine 313 with isoleucine.
Molecular consequence: missense variant.
Genome position (GRCh38, 1-based): chr4:165,484,569, C>T. VCF-style: chr4-165484569-C-T. GRCh37 (hg19) VCF-style: chr4-166405721-C-T.
Other names: short protein forms T313I.
Identifiers: ClinVar variation 2632387 (VCV002632387.2), dbSNP rs150784271, ClinGen allele CA3130323.

ClinVar aggregate classification (germline): Uncertain significance (0 of 4 stars; one submission).

Conditions:
CPE-related disorder. Also called: CPE-related condition.

Allele frequency attached by ClinVar (database versions not stated): gnomAD exomes 0.00001; ExAC 0.00003; gnomAD 0.00005; TOPMed 0.00005; ESP Exome Variant Server 0.00023.
gnomAD v4.1: 18 of 1,614,088 alleles (0.0011%); highest among the groups gnomAD compares: African/African-American, 0.02%; no homozygotes.

Submission:

PreventionGenetics, part of Exact Sciences
Classification: Uncertain significance for CPE-related condition. Last evaluated: 2024-08-07. Review status: no assertion criteria provided. Collection method: clinical testing. Allele origin: germline.
Comment: The CPE c.938C>T variant is predicted to result in the amino acid substitution p.Thr313Ile. To our knowledge, this variant has not been reported in the literature. This variant is reported in 0.025% of alleles in individuals of African descent in gnomAD. At this time, the clinical significance of this variant is uncertain due to the absence of conclusive functional and genetic evidence.